The following is an entry in ClinVar:

ClinVar aggregate classification (germline): Likely benign. Review status: criteria provided, multiple submitters, no conflicts (2 of 4 stars). 3 submissions from 3 submitters: Likely benign (2). 1 of the submissions does not count toward it. Last evaluated 2025-11-11.

Conditions:
PSEN1-related disorder. Also called: PSEN1-related condition.

Allele frequency attached by ClinVar (database versions not stated): ExAC 0.00002.

Submissions (3):

Women's Health and Genetics/Laboratory Corporation of America, LabCorp
Classification: Likely benign. Last evaluated: 2025-11-11. Review status: criteria provided, single submitter. Criteria: LabCorp Variant Classification Summary - May 2015. Collection method: clinical testing. Allele origin: germline.

Blueprint Genetics
Classification: Likely benign. Last evaluated: 2024-04-26. Review status: criteria provided, single submitter. Criteria: ACMG Guidelines, 2015. Collection method: clinical testing. Allele origin: germline.

PreventionGenetics, part of Exact Sciences
Classification: Likely benign for PSEN1-related condition. Last evaluated: 2019-07-10. Review status: no assertion criteria provided. Collection method: clinical testing. Allele origin: germline. Not counted in ClinVar's aggregate classification.
Comment: This variant is classified as likely benign based on ACMG/AMP sequence variant interpretation guidelines (Richards et al. 2015 PMID: 25741868, with internal and published modifications).

NM_000021.4(PSEN1):c.1248+7A>G

Gene: PSEN1 (presenilin 1; plus strand). Cytogenetic location: 14q24.2.
Variant type: single nucleotide variant.
Coding change: c.1248+7A>G on transcript NM_000021.4 (MANE Select); 7 bases into the intron after coding-DNA position 1248, A replaced by G.
Molecular consequence: intron variant.
Genome position (GRCh38, 1-based): chr14:73,217,251, A>G. VCF-style: chr14-73217251-A-G. GRCh37 (hg19) VCF-style: chr14-73683959-A-G.
Other names: c.1236+7A>G (NM_007318.3).
Identifiers: ClinVar variation 3050619 (VCV003050619.4), dbSNP rs201227105, ClinGen allele CA7256955.
Genomic context (GRCh38, chr14:73,217,251, plus strand): 5'-ACAGCCAGTGGAGACTGGAACACAACCATAGCCTGTTTCGTAGCCATATTAATTGTAAGT[A>G]TACACTAATAAGAATGTGTCAGAGCTCTTAATGTCAAAACTTTGATTACACAGTCCCTTT-3'